The following is an entry in ClinVar:

ClinVar aggregate classification (germline): Pathogenic (1 of 4 stars; one submission).

Conditions:
Neuronal ceroid lipofuscinosis 1 (CLN1). Also called: CEROID LIPOFUSCINOSIS, NEURONAL, 1, VARIABLE AGE AT ONSET; PPT1-Related Neuronal Ceroid-Lipofuscinosis. Identifiers: Orphanet 228329, MedGen C1850451, MONDO:0009744, OMIM 256730.

Submission:

Labcorp Genetics (formerly Invitae), Labcorp
Classification: Pathogenic for Neuronal ceroid lipofuscinosis 1. Last evaluated: 2022-07-25. Review status: criteria provided, single submitter. Criteria: Invitae Variant Classification Sherloc (09022015). Collection method: clinical testing. Allele origin: germline.
Comment: For these reasons, this variant has been classified as Pathogenic. This variant is a gross deletion of the genomic region encompassing exon(s) 1-8 of the PPT1 gene, which includes the initiator codon. This deletion extends beyond the assayed region for this gene and therefore may encompass additional genes. It is expected to result in an absent or disrupted protein product. Loss-of-function variants in PPT1 are known to be pathogenic (PMID: 10679943, 21990111). This variant has not been reported in the literature in individuals affected with PPT1-related conditions.

Literature cited by the submitters: PubMed 10679943; PubMed 21990111.

NC_000001.10:g.(?_40542494)_(40562910_?)del

Gene: PPT1 (palmitoyl-protein thioesterase 1; minus strand). Cytogenetic location: 1p34.2.
Variant type: Deletion.
Identifiers: ClinVar variation 2422850 (VCV002422850.4).